The following is an entry in ClinVar:

ClinVar aggregate classification (germline): Uncertain significance (1 of 4 stars; one submission).

Conditions:
Ataxia-telangiectasia syndrome (AT). Also called: AT, COMPLEMENTATION GROUP C; Ataxia telangiectasia (A-T); Cerebello-oculocutaneous telangiectasia; Immunodeficiency with ataxia telangiectasia; LOUIS-BAR SYNDROME; Ataxia-telangiectasia. Identifiers: Orphanet 100, MedGen C0004135, MONDO:0008840, OMIM 208900.

Submission:

Labcorp Genetics (formerly Invitae), Labcorp
Classification: Uncertain significance for Ataxia-telangiectasia syndrome. Last evaluated: 2019-07-27. Review status: criteria provided, single submitter. Criteria: Invitae Variant Classification Sherloc (09022015). Collection method: clinical testing. Allele origin: germline.
Comment: This variant is not present in population databases (ExAC no frequency). This sequence change replaces threonine with serine at codon 714 of the ATM protein (p.Thr714Ser). The threonine residue is weakly conserved and there is a small physicochemical difference between threonine and serine. This variant has not been reported in the literature in individuals with ATM-related conditions. In summary, the available evidence is currently insufficient to determine the role of this variant in disease. Therefore, it has been classified as a Variant of Uncertain Significance. Algorithms developed to predict the effect of missense changes on protein structure and function (SIFT, PolyPhen-2, Align-GVGD) all suggest that this variant is likely to be tolerated, but these predictions have not been confirmed by published functional studies and their clinical significance is uncertain.

NM_000051.4(ATM):c.2141C>G (p.Thr714Ser)

Gene: ATM (ATM serine/threonine kinase; plus strand). Cytogenetic location: 11q22.3.
Variant type: single nucleotide variant.
Coding change: c.2141C>G on transcript NM_000051.4 (MANE Select); coding-DNA position 2141, C replaced by G.
Protein change: p.Thr714Ser; replaces threonine 714 with serine.
Molecular consequence: missense variant.
Genome position (GRCh38, 1-based): chr11:108,256,231, C>G. VCF-style: chr11-108256231-C-G. GRCh37 (hg19) VCF-style: chr11-108126958-C-G.
Other names: c.2141C>G, p.Thr714Ser (NM_001351834.2); short protein forms T714S.
Identifiers: ClinVar variation 956696 (VCV000956696.9), dbSNP rs1555074846, ClinGen allele CA382538701.
Genomic context (GRCh38, chr11:108,256,231, plus strand): 5'-TTATTTATGAAATATATATATTTTTATTTGTGGTTTACTTTAAGATTACAAATTCAGAAA[C>G]TCTTGTCCGGTGTTCACGTCTTTTGGTGGGTGTCCTTGGCTGCTACTGTTACATGGGTGT-3'
Protein context (NP_000042.3, residues 704-724): NYSSEITNSE[Thr714Ser]LVRCSRLLVG